The following is an entry in ClinVar:

NM_006206.6(PDGFRA):c.233G>A (p.Ser78Asn)

Gene: PDGFRA (platelet derived growth factor receptor alpha; plus strand). Cytogenetic location: 4q12.
Variant type: single nucleotide variant.
Coding change: c.233G>A on transcript NM_006206.6 (MANE Select); coding-DNA position 233, G replaced by A.
Protein change: p.Ser78Asn; replaces serine 78 with asparagine.
Molecular consequence: missense variant.
Genome position (GRCh38, 1-based): chr4:54,261,278, G>A. VCF-style: chr4-54261278-G-A. GRCh37 (hg19) VCF-style: chr4-55127445-G-A.
Other names: c.233G>A, p.Ser78Asn (NM_001347827.2, NM_001347829.2); c.308G>A, p.Ser103Asn (NM_001347828.2); c.272G>A, p.Ser91Asn (NM_001347830.2); short protein forms S78N, S91N, S103N.
Identifiers: ClinVar variation 581063 (VCV000581063.12), dbSNP rs1560466833, ClinGen allele CA356888582.
Genomic context (GRCh38, chr4:54,261,278, plus strand): 5'-AGTACCCCATGTCTGAAGAAGAGAGCTCCGATGTGGAAATCAGAAATGAAGAAAACAACA[G>A]CGGCCTTTTTGTGACGGTCTTGGAAGTGAGCAGTGCCTCGGCGGCCCACACAGGGTTGTA-3'
Protein context (NP_006197.1, residues 68-88): DVEIRNEENN[Ser78Asn]GLFVTVLEVS

ClinVar aggregate classification (germline): Uncertain significance. Review status: criteria provided, multiple submitters, no conflicts (2 of 4 stars). 2 submissions from 2 submitters: Uncertain significance (2). Last evaluated 2025-12-05.

Conditions:
Gastrointestinal stromal tumor. Also called: Gastrointestinal stromal tumor, somatic; Gastrointestinal stroma tumor. Identifiers: Orphanet 44890, MedGen C0238198, MeSH D046152, MONDO:0011719, OMIM 606764, HP:0100723.
Hereditary cancer-predisposing syndrome. Also called: Hereditary Cancer Syndrome; Tumor predisposition; Neoplastic Syndromes, Hereditary; Hereditary neoplastic syndrome. Identifiers: Orphanet 140162, MedGen C0027672, MeSH D009386, MONDO:0015356.

Submissions (2):

Labcorp Genetics (formerly Invitae), Labcorp
Classification: Uncertain significance for Gastrointestinal stromal tumor. Last evaluated: 2025-12-05. Review status: criteria provided, single submitter. Criteria: Invitae Variant Classification Sherloc (09022015). Collection method: clinical testing. Allele origin: germline.
Comment: This sequence change replaces serine, which is neutral and polar, with asparagine, which is neutral and polar, at codon 78 of the PDGFRA protein (p.Ser78Asn). This variant is not present in population databases (gnomAD no frequency). This variant has not been reported in the literature in individuals affected with PDGFRA-related conditions. ClinVar contains an entry for this variant (Variation ID: 581063). Invitae Evidence Modeling of protein sequence and biophysical properties (such as structural, functional, and spatial information, amino acid conservation, physicochemical variation, residue mobility, and thermodynamic stability) indicates that this missense variant is not expected to disrupt PDGFRA protein function with a negative predictive value of 80%. In summary, the available evidence is currently insufficient to determine the role of this variant in disease. Therefore, it has been classified as a Variant of Uncertain Significance.

Ambry Genetics
Classification: Uncertain significance for Hereditary cancer-predisposing syndrome. Last evaluated: 2025-04-18. Review status: criteria provided, single submitter. Criteria: Ambry Variant Classification Scheme 2023. Collection method: clinical testing. Allele origin: germline.
Comment: The p.S78N variant (also known as c.233G>A), located in coding exon 2 of the PDGFRA gene, results from a G to A substitution at nucleotide position 233. The serine at codon 78 is replaced by asparagine, an amino acid with highly similar properties. This amino acid position is conserved. In addition, this alteration is predicted to be tolerated by in silico analysis. Since supporting evidence is limited at this time, the clinical significance of this alteration remains unclear.